The following is an entry in ClinVar:

NM_022124.6(CDH23):c.6264C>A (p.Val2088=)

Gene: CDH23 (cadherin related 23; plus strand). Cytogenetic location: 10q22.1.
Variant type: single nucleotide variant.
Coding change: c.6264C>A on transcript NM_022124.6 (MANE Select); coding-DNA position 6264, C replaced by A.
Protein change: p.Val2088=; no amino-acid change (valine 2088 retained).
Molecular consequence: synonymous variant.
Genome position (GRCh38, 1-based): chr10:71,793,192, C>A. VCF-style: chr10-71793192-C-A. GRCh37 (hg19) VCF-style: chr10-73552949-C-A.
Identifiers: ClinVar variation 179487 (VCV000179487.13), dbSNP rs727504898, ClinGen allele CA184522.

ClinVar aggregate classification (germline): Likely benign. Review status: criteria provided, multiple submitters, no conflicts (2 of 4 stars). 3 submissions from 3 submitters: Likely benign (3). Last evaluated 2024-12-05.

Allele frequency attached by ClinVar (database versions not stated): gnomAD 0.00001; ExAC 0.00002; gnomAD exomes 0.00002 and 0.00005; TOPMed 0.00003.
gnomAD v4.1: 74 of 1,611,378 alleles (0.0046%); highest among the groups gnomAD compares: Non-Finnish European, 0.0059%; no homozygotes.

Submissions (3):

Labcorp Genetics (formerly Invitae), Labcorp
Classification: Likely benign. Last evaluated: 2024-12-05. Review status: criteria provided, single submitter. Criteria: Invitae Variant Classification Sherloc (09022015). Collection method: clinical testing. Allele origin: germline.

Blueprint Genetics
Classification: Likely benign. Last evaluated: 2024-09-22. Review status: criteria provided, single submitter. Criteria: ACMG Guidelines, 2015. Collection method: clinical testing. Allele origin: germline.

Laboratory for Molecular Medicine, Mass General Brigham Personalized Medicine
Classification: Likely benign. Last evaluated: 2013-12-19. Review status: criteria provided, single submitter. Criteria: LMM Criteria. Collection method: clinical testing. Allele origin: germline. Observed: 1 variant allele.
Comment: Val2088Val in exon 48 of CDH23: This variant is not expected to have clinical si gnificance because it does not alter an amino acid residue and is not located wi thin the splice consensus sequence.